The following is an entry in ClinVar:

NM_007294.4(BRCA1):c.262A>T (p.Lys88Ter)

Gene: BRCA1 (BRCA1 DNA repair associated; minus strand). Cytogenetic location: 17q21.31.
Variant type: single nucleotide variant.
Coding change: c.262A>T on transcript NM_007294.4 (MANE Select); coding-DNA position 262, A replaced by T.
Protein change: p.Lys88Ter; replaces lysine 88 with a stop codon.
Molecular consequence: nonsense. On other transcripts: non-coding transcript variant (1).
Genome position (GRCh38, 1-based): chr17:43,104,907, T>A on the plus strand (A>T on the coding strand, the complement: BRCA1 is on the minus strand). VCF-style: chr17-43104907-T-A. GRCh37 (hg19) VCF-style: chr17-41256924-T-A.
Other names: c.262A>T, p.Lys88Ter (NM_001408424.1, NM_001408425.1, NM_001408426.1 and 168 more transcripts); c.130A>T, p.Lys44Ter (NM_001408451.1); c.121A>T, p.Lys41Ter (NM_001408452.1, NM_001408453.1, NM_001408454.1 and 99 more transcripts); c.184A>T, p.Lys62Ter (NM_001408474.1, NM_001408475.1, NM_001408476.1 and 21 more transcripts); c.52A>T, p.Lys18Ter (NM_001408478.1, NM_001408479.1, NM_001408480.1 and 58 more transcripts); c.-120A>T (NM_001408510.1, NM_001408512.1, NM_001407959.1 and 4 more transcripts); short protein forms K88*, K41*, K62*, K18*, K44*.
Identifiers: ClinVar variation 868327 (VCV000868327.3), dbSNP rs2054682199, ClinGen allele CA10601631.

Conditions:
Breast-ovarian cancer, familial, susceptibility to, 1 (BROVCA1). Also called: BRCA1 Hereditary Breast and Ovarian Cancer; OVARIAN CANCER, SUSCEPTIBILITY TO. Identifiers: Orphanet 145, MedGen C2676676, MONDO:0011450, OMIM 604370. Disease mechanism: loss of function.

Submission:

Brotman Baty Institute, University of Washington
No classification provided (evidence only). Condition: Breast-ovarian cancer, familial 1. Review status: no classification provided. Collection method: in vitro. Allele origin: not applicable. Functional consequence: functionally_abnormal.
ClinVar note: "not provided" was previously submitted as the classification for the variant. However, the classification appeared to be based only on an observation of functional data so it was converted to no classification on 2025-07-30.